The following is an entry in ClinVar:

ClinVar aggregate classification (germline): Conflicting classifications of pathogenicity. Review status: criteria provided, conflicting classifications (1 of 4 stars). 7 submissions from 7 submitters: Uncertain significance (3); Benign (1); Likely benign (2). 1 of the submissions does not count toward it. Last evaluated 2024-11-23.

Conditions:
TBX19-related disorder. Also called: TBX19-related condition.
Congenital isolated adrenocorticotropic hormone deficiency. Also called: ACTH deficiency; Adrenocorticotropic hormone deficiency; ACTH DEFICIENCY, ISOLATED. Identifiers: Orphanet 199296, MedGen C0342388, MONDO:0008720, OMIM 201400, HP:0011748.

Allele frequency attached by ClinVar (database versions not stated): 1000 Genomes Project 0.00020; ESP Exome Variant Server 0.00046; 1000 Genomes Project 30x 0.00062; TOPMed 0.00066; gnomAD 0.00069 and 0.00070; gnomAD exomes 0.00074 and 0.00095; ExAC 0.00088.
gnomAD v4.1: 1,510 of 1,614,102 alleles (0.094%); highest among the groups gnomAD compares: Non-Finnish European, 0.12%; 1 homozygote.

Submissions (7):

Blueprint Genetics
Classification: Likely benign. Last evaluated: 2024-11-23. Review status: criteria provided, single submitter. Criteria: ACMG Guidelines, 2015. Collection method: clinical testing. Allele origin: germline.

CeGaT Center for Human Genetics Tuebingen
Classification: Uncertain significance. Last evaluated: 2024-07-01. Review status: criteria provided, single submitter. Criteria: CeGaT Center For Human Genetics Tuebingen Variant Classification Criteria Version 2. Collection method: clinical testing. Allele origin: germline. Affected: yes. Observed: 2 variant alleles.
Comment: TBX19: PM2, PM3:Supporting, BP4

Labcorp Genetics (formerly Invitae), Labcorp
Classification: Uncertain significance. Last evaluated: 2023-11-01. Review status: criteria provided, single submitter. Criteria: Invitae Variant Classification Sherloc (09022015). Collection method: clinical testing. Allele origin: germline.
Comment: This sequence change falls in intron 1 of the TBX19 gene. It does not directly change the encoded amino acid sequence of the TBX19 protein. It affects a nucleotide within the consensus splice site. This variant is present in population databases (rs200043223, gnomAD 0.1%), and has an allele count higher than expected for a pathogenic variant. This variant has not been reported in the literature in individuals affected with TBX19-related conditions. ClinVar contains an entry for this variant (Variation ID: 293456). Variants that disrupt the consensus splice site are a relatively common cause of aberrant splicing (PMID: 17576681, 9536098). Algorithms developed to predict the effect of sequence changes on RNA splicing suggest that this variant is not likely to affect RNA splicing. In summary, the available evidence is currently insufficient to determine the role of this variant in disease. Therefore, it has been classified as a Variant of Uncertain Significance.

Clinical Molecular Genetics Laboratory, Johns Hopkins All Children's Hospital
Classification: Benign for Congenital isolated adrenocorticotropic hormone deficiency. Last evaluated: 2018-06-19. Review status: criteria provided, single submitter. Criteria: ACMG Guidelines, 2015. Collection method: clinical testing. Allele origin: germline. Affected: yes.

Illumina Laboratory Services, Illumina
Classification: Uncertain significance for Congenital isolated adrenocorticotropic hormone deficiency. Last evaluated: 2018-01-12. Review status: criteria provided, single submitter. Criteria: ICSL Variant Classification Criteria 13 December 2019. Collection method: clinical testing. Allele origin: germline.

GeneDx
Classification: Likely benign. Last evaluated: 2016-01-12. Review status: criteria provided, single submitter. Criteria: GeneDx Variant Classification (06012015). Collection method: clinical testing. Allele origin: germline. Affected: yes.
Comment: This variant is considered likely benign or benign based on one or more of the following criteria: it is a conservative change, it occurs at a poorly conserved position in the protein, it is predicted to be benign by multiple in silico algorithms, and/or has population frequency not consistent with disease.

PreventionGenetics, part of Exact Sciences
Classification: Likely benign for TBX19-related condition. Last evaluated: 2019-08-01. Review status: no assertion criteria provided. Collection method: clinical testing. Allele origin: germline. Not counted in ClinVar's aggregate classification.
Comment: This variant is classified as likely benign based on ACMG/AMP sequence variant interpretation guidelines (Richards et al. 2015 PMID: 25741868, with internal and published modifications).

Literature cited by the submitters: PubMed 17576681 (cited by Labcorp Genetics (formerly Invitae), Labcorp); PubMed 9536098 (cited by Labcorp Genetics (formerly Invitae), Labcorp).

NM_005149.3(TBX19):c.204-3T>C

Gene: TBX19 (T-box transcription factor 19; plus strand). Cytogenetic location: 1q24.2.
Variant type: single nucleotide variant.
Coding change: c.204-3T>C on transcript NM_005149.3 (MANE Select); 3 bases into the intron before coding-DNA position 204, T replaced by C.
Molecular consequence: intron variant.
Genome position (GRCh38, 1-based): chr1:168,291,157, T>C. VCF-style: chr1-168291157-T-C. GRCh37 (hg19) VCF-style: chr1-168260395-T-C.
Identifiers: ClinVar variation 293456 (VCV000293456.52), dbSNP rs200043223, ClinGen allele CA1230437.